The following is an entry in ClinVar:

ClinVar aggregate classification (germline): Conflicting classifications of pathogenicity. Review status: criteria provided, conflicting classifications (1 of 4 stars). 4 submissions from 4 submitters: Uncertain significance (3); Likely benign (1). Last evaluated 2026-08-24.

Conditions:
Hereditary cancer-predisposing syndrome. Also called: Neoplastic Syndromes, Hereditary; Hereditary Cancer Syndrome; Tumor predisposition; Hereditary neoplastic syndrome. Identifiers: Orphanet 140162, MedGen C0027672, MeSH D009386, MONDO:0015356.
DICER1-related tumor predisposition. Also called: DICER1-related pleuropulmonary blastoma cancer predisposition syndrome; DICER1 syndrome. Identifiers: Orphanet 284343, MedGen C3839822, MONDO:0100216.
DICER1-related disorder. Also called: DICER1-related condition.

Allele frequency attached by ClinVar (database versions not stated): TOPMed below 0.00001.

Submissions (4):

PreventionGenetics, part of Exact Sciences
Classification: Uncertain significance for DICER1-related condition. Last evaluated: 2026-08-24. Review status: criteria provided, single submitter. Criteria: ACMG Guidelines, 2015. Collection method: clinical testing. Allele origin: germline.
Comment: The DICER1 c.871A>G variant is predicted to result in the amino acid substitution p.Lys291Glu. To our knowledge, this variant has not been reported in the literature or in a large population database (gnomAD), indicating it is rare. It has conflicting interpretations in ClinVar ranging from likely benign to uncertain (Variation ID: 822683). At this time, the clinical significance of this variant is uncertain due to the absence of conclusive functional and genetic evidence.

Quest Diagnostics Nichols Institute San Juan Capistrano
Classification: Uncertain significance. Last evaluated: 2024-10-10. Review status: criteria provided, single submitter. Criteria: Quest Diagnostics criteria. Collection method: clinical testing. Allele origin: unknown.
Comment: The DICER1 c.871A>G (p.Lys291Glu) variant has not been reported in individuals with DICER1-related conditions in the published literature. It also has not been reported in large, multi-ethnic general populations (Genome Aggregation Database). Analysis of this variant using bioinformatics tools for the prediction of the effect of amino acid changes on protein structure and function yielded predictions that this variant is benign. Based on the available information, we are unable to determine the clinical significance of this variant.

Ambry Genetics
Classification: Likely benign for Hereditary cancer-predisposing syndrome. Last evaluated: 2024-10-09. Review status: criteria provided, single submitter. Criteria: Ambry Variant Classification Scheme 2023. Collection method: clinical testing. Allele origin: germline.

Labcorp Genetics (formerly Invitae), Labcorp
Classification: Uncertain significance for DICER1-related tumor predisposition. Last evaluated: 2024-08-12. Review status: criteria provided, single submitter. Criteria: Invitae Variant Classification Sherloc (09022015). Collection method: clinical testing. Allele origin: germline.
Comment: This sequence change replaces lysine, which is basic and polar, with glutamic acid, which is acidic and polar, at codon 291 of the DICER1 protein (p.Lys291Glu). This variant is not present in population databases (gnomAD no frequency). This variant has not been reported in the literature in individuals affected with DICER1-related conditions. ClinVar contains an entry for this variant (Variation ID: 822683). Advanced modeling of protein sequence and biophysical properties (such as structural, functional, and spatial information, amino acid conservation, physicochemical variation, residue mobility, and thermodynamic stability) performed at Invitae indicates that this missense variant is not expected to disrupt DICER1 protein function with a negative predictive value of 80%. In summary, the available evidence is currently insufficient to determine the role of this variant in disease. Therefore, it has been classified as a Variant of Uncertain Significance.

NM_177438.3(DICER1):c.871A>G (p.Lys291Glu)

Gene: DICER1 (dicer 1, ribonuclease III; minus strand). Cytogenetic location: 14q32.13.
Variant type: single nucleotide variant.
Coding change: c.871A>G on transcript NM_177438.3 (MANE Select); coding-DNA position 871, A replaced by G.
Protein change: p.Lys291Glu; replaces lysine 291 with glutamic acid.
Molecular consequence: missense variant.
Genome position (GRCh38, 1-based): chr14:95,126,612, T>C on the plus strand (A>G on the coding strand, the complement: DICER1 is on the minus strand). VCF-style: chr14-95126612-T-C. GRCh37 (hg19) VCF-style: chr14-95592949-T-C.
Other names: c.871A>G, p.Lys291Glu (NM_001195573.1, NM_001271282.3, NM_001291628.2 and 1 more transcripts); short protein forms K291E.
Identifiers: ClinVar variation 822683 (VCV000822683.15), dbSNP rs1595447611, ClinGen allele CA390887488.
Genomic context (GRCh38, chr14:95,126,612, plus strand): 5'-TCACTATACCTACTTGGTATATGCTTACCTGTTTCGAAATTAAAGTAGAATCTCTTTCTT[T>C]TGAATGTACAGATATATTACAATCATTGATAAAATTAAGTGCTTCTTCTAATTCCATCAG-3'
Protein context (NP_803187.1, residues 281-301): INDCNISVHS[Lys291Glu]ERDSTLISKQ